The following is an entry in ClinVar:

NM_001105206.3(LAMA4):c.4247G>A (p.Gly1416Glu)

Gene: LAMA4 (laminin subunit alpha 4; minus strand). Cytogenetic location: 6q21.
Variant type: single nucleotide variant.
Coding change: c.4247G>A on transcript NM_001105206.3 (MANE Select); coding-DNA position 4247, G replaced by A.
Protein change: p.Gly1416Glu; replaces glycine 1416 with glutamic acid.
Molecular consequence: missense variant.
Genome position (GRCh38, 1-based): chr6:112,128,962, C>T on the plus strand (G>A on the coding strand, the complement: LAMA4 is on the minus strand). VCF-style: chr6-112128962-C-T. GRCh37 (hg19) VCF-style: chr6-112450164-C-T.
Other names: c.4226G>A, p.Gly1409Glu (NM_001105207.3, NM_002290.5); short protein forms G1416E, G1409E.
Identifiers: ClinVar variation 4096211 (VCV004096211.2).

ClinVar aggregate classification (germline): Uncertain significance. Review status: criteria provided, multiple submitters, no conflicts (2 of 4 stars). 2 submissions from 2 submitters: Uncertain significance (2). Last evaluated 2025-07-12.

Conditions:
Dilated cardiomyopathy 1JJ (CMD1JJ). Identifiers: Orphanet 154, MedGen C3808935, MONDO:0014095, OMIM 615235.
Cardiovascular phenotype. Identifiers: MedGen CN230736.

Submissions (2):

Ambry Genetics
Classification: Uncertain significance for Cardiovascular phenotype. Last evaluated: 2025-07-12. Review status: criteria provided, single submitter. Criteria: Ambry Variant Classification Scheme 2023. Collection method: clinical testing. Allele origin: germline.
Comment: The p.G1409E variant (also known as c.4226G>A), located in coding exon 30 of the LAMA4 gene, results from a G to A substitution at nucleotide position 4226. The glycine at codon 1409 is replaced by glutamic acid, an amino acid with similar properties. This amino acid position is conserved. In addition, this alteration is predicted to be tolerated by in silico analysis. Based on the available evidence, the clinical significance of this variant remains unclear.

Labcorp Genetics (formerly Invitae), Labcorp
Classification: Uncertain significance for Dilated cardiomyopathy 1JJ. Last evaluated: 2025-04-30. Review status: criteria provided, single submitter. Criteria: Invitae Variant Classification Sherloc (09022015). Collection method: clinical testing. Allele origin: germline.
Comment: This sequence change replaces glycine, which is neutral and non-polar, with glutamic acid, which is acidic and polar, at codon 1409 of the LAMA4 protein (p.Gly1409Glu). This variant is present in population databases (rs782311786, gnomAD 0.003%). This variant has not been reported in the literature in individuals affected with LAMA4-related conditions. Invitae Evidence Modeling of protein sequence and biophysical properties (such as structural, functional, and spatial information, amino acid conservation, physicochemical variation, residue mobility, and thermodynamic stability) indicates that this missense variant is not expected to disrupt LAMA4 protein function with a negative predictive value of 80%. In summary, the available evidence is currently insufficient to determine the role of this variant in disease. Therefore, it has been classified as a Variant of Uncertain Significance.